The following is an entry in ClinVar:

NM_024649.5(BBS1):c.1198A>T (p.Lys400Ter)

Genes: BBS1 (Bardet-Biedl syndrome 1; plus strand), ZDHHC24 (zDHHC palmitoyltransferase 24; minus strand). Cytogenetic location: 11q13.2.
Variant type: single nucleotide variant.
Coding change: c.1198A>T on transcript NM_024649.5 (MANE Select); coding-DNA position 1198, A replaced by T.
Protein change: p.Lys400Ter; replaces lysine 400 with a stop codon.
Molecular consequence: nonsense. On other transcripts: intron variant (1).
Genome position (GRCh38, 1-based): chr11:66,526,666, A>T. VCF-style: chr11-66526666-A-T. GRCh37 (hg19) VCF-style: chr11-66294137-A-T.
Other names: c.*21+270T>A (NM_001348571.2); short protein forms K400*.
Identifiers: ClinVar variation 984000 (VCV000984000.5), dbSNP rs1421044140, ClinGen allele CA381422454.

ClinVar aggregate classification (germline): Likely pathogenic (1 of 4 stars; one submission).

Conditions:
Bardet-Biedl syndrome 1 (BBS1). Identifiers: MedGen C2936862, MONDO:0008854, OMIM 209900. Disease mechanism: loss of function.

Submission:

Myriad Genetics, Inc.
Classification: Likely pathogenic for Bardet-Biedl syndrome 1. Last evaluated: 2019-12-05. Review status: criteria provided, single submitter. Criteria: Myriad Women's Health Autosomal Recessive and X-Linked Classification Criteria (2019). Collection method: clinical testing. Allele origin: unknown.
Comment: NM_024649.4(BBS1):c.1198A>T(K400*) is expected to be pathogenic in the context of Bardet-Biedl syndrome, BBS1-related. This variant is predicted to lead to an abnormal or absent protein product due to the creation of a premature termination codon in BBS1, a gene where loss-of-function variants are known to be pathogenic. Please note: this variant was assessed in the context of healthy population screening.